The following is an entry in ClinVar:

ClinVar aggregate classification (germline): Uncertain significance. Review status: criteria provided, single submitter (1 of 4 stars). 2 submissions from 2 submitters: Uncertain significance (1). 1 of the submissions does not count toward it. Last evaluated 2018-08-09.

Conditions:
Charcot-Marie-Tooth disease type 4. Also called: Charcot-Marie-Tooth disease, type IV; Charcot-Marie-Tooth, Type 4. Identifiers: Orphanet 64749, MedGen C4082197, MONDO:0018995.
Charcot-Marie-Tooth disease type 4D. Also called: Charcot-Marie-Tooth Neuropathy Type 4D; NEUROPATHY, HEREDITARY MOTOR AND SENSORY, LOM TYPE; CHARCOT-MARIE-TOOTH DISEASE, DEMYELINATING, TYPE 4D; CHARCOT-MARIE-TOOTH DISEASE, DEMYELINATING, AUTOSOMAL RECESSIVE, TYPE 4D. Identifiers: Orphanet 99950, MedGen C1832334, MONDO:0011085, OMIM 601455.

Allele frequency attached by ClinVar (database versions not stated): gnomAD 0.00001.
gnomAD v4.1: 8 of 1,614,000 alleles (0.0005%); highest among the groups gnomAD compares: Non-Finnish European, 0.00068%; no homozygotes.

Submissions (2):

Labcorp Genetics (formerly Invitae), Labcorp
Classification: Uncertain significance for Charcot-Marie-Tooth disease type 4. Last evaluated: 2018-08-09. Review status: criteria provided, single submitter. Criteria: Invitae Variant Classification Sherloc (09022015). Collection method: clinical testing. Allele origin: germline.
Comment: This sequence change replaces histidine with glutamine at codon 194 of the NDRG1 protein (p.His194Gln). The histidine residue is highly conserved and there is a small physicochemical difference between histidine and glutamine. This variant is not present in population databases (ExAC no frequency). This variant has not been reported in the literature in individuals with NDRG1-related disease. Algorithms developed to predict the effect of missense changes on protein structure and function are either unavailable or do not agree on the potential impact of this missense change (SIFT: "Deleterious"; PolyPhen-2: "Probably Damaging"; Align-GVGD: "Class C0"). Algorithms developed to predict the effect of sequence changes on RNA splicing suggest that this variant may create or strengthen a splice site, but this prediction has not been confirmed by published transcriptional studies. In summary, the available evidence is currently insufficient to determine the role of this variant in disease. Therefore, it has been classified as a Variant of Uncertain Significance.

Natera, Inc.
Classification: Uncertain significance for Charcot-Marie-Tooth disease type 4D. Last evaluated: 2021-03-31. Review status: no assertion criteria provided. Collection method: clinical testing. Allele origin: germline. Not counted in ClinVar's aggregate classification.

NM_006096.4(NDRG1):c.582C>G (p.His194Gln)

Gene: NDRG1 (N-myc downstream regulated 1; minus strand). Cytogenetic location: 8q24.22.
Variant type: single nucleotide variant.
Coding change: c.582C>G on transcript NM_006096.4 (MANE Select); coding-DNA position 582, C replaced by G.
Protein change: p.His194Gln; replaces histidine 194 with glutamine.
Molecular consequence: missense variant.
Genome position (GRCh38, 1-based): chr8:133,254,551, G>C on the plus strand (C>G on the coding strand, the complement: NDRG1 is on the minus strand). VCF-style: chr8-133254551-G-C. GRCh37 (hg19) VCF-style: chr8-134266794-G-C.
Other names: c.582C>G, p.His194Gln (NM_001135242.2, NM_001374845.1, NM_001374846.1); c.384C>G, p.His128Gln (NM_001258432.2, NM_001374847.1); c.339C>G, p.His113Gln (NM_001258433.2); c.633C>G, p.His211Gln (NM_001374844.1); short protein forms H128Q, H113Q, H194Q, H211Q.
Identifiers: ClinVar variation 649176 (VCV000649176.9), dbSNP rs1305919985, ClinGen allele CA372255544.